The following is an entry in ClinVar:

NM_006147.4(IRF6):c.745T>C (p.Cys249Arg)

Gene: IRF6 (interferon regulatory factor 6; minus strand). Cytogenetic location: 1q32.2.
Variant type: single nucleotide variant.
Coding change: c.745T>C on transcript NM_006147.4 (MANE Select); coding-DNA position 745, T replaced by C.
Protein change: p.Cys249Arg; replaces cysteine 249 with arginine.
Molecular consequence: missense variant.
Genome position (GRCh38, 1-based): chr1:209,790,810, A>G on the plus strand (T>C on the coding strand, the complement: IRF6 is on the minus strand). VCF-style: chr1-209790810-A-G. GRCh37 (hg19) VCF-style: chr1-209964155-A-G.
Other names: c.460T>C, p.Cys154Arg (NM_001206696.2); short protein forms C154R, C249R.
Identifiers: ClinVar variation 1462384 (VCV001462384.8), dbSNP rs2102537121, ClinGen allele CA344577591.

ClinVar aggregate classification (germline): Uncertain significance (1 of 4 stars; one submission).

Conditions:
Popliteal pterygium syndrome (PPS). Identifiers: Orphanet 294963, MedGen C0265259, MONDO:0017435.
Van der Woude syndrome. Identifiers: Orphanet 888, MedGen C0175697, MONDO:0019508.
Orofacial cleft 6, susceptibility to (OFC6). Also called: CLEFT LIP WITH OR WITHOUT CLEFT PALATE, NONSYNDROMIC, 6. Identifiers: MedGen C1837213, MONDO:0012141, OMIM 608864.

Submission:

Labcorp Genetics (formerly Invitae), Labcorp
Classification: Uncertain significance for Orofacial cleft 6, susceptibility to; Van der Woude syndrome; Popliteal pterygium syndrome. Last evaluated: 2021-03-12. Review status: criteria provided, single submitter. Criteria: Invitae Variant Classification Sherloc (09022015). Collection method: clinical testing. Allele origin: germline.
Comment: This variant has not been reported in the literature in individuals with IRF6-related conditions. This variant is not present in population databases (ExAC no frequency). This sequence change replaces cysteine with arginine at codon 249 of the IRF6 protein (p.Cys249Arg). The cysteine residue is highly conserved and there is a large physicochemical difference between cysteine and arginine. In summary, the available evidence is currently insufficient to determine the role of this variant in disease. Therefore, it has been classified as a Variant of Uncertain Significance. Advanced modeling of protein sequence and biophysical properties (such as structural, functional, and spatial information, amino acid conservation, physicochemical variation, residue mobility, and thermodynamic stability) performed at Invitae indicates that this missense variant is expected to disrupt IRF6 protein function.